The following is an entry in ClinVar:

NM_001182.4(ALDH7A1):c.1493_1495delGAG

Gene: ALDH7A1 (aldehyde dehydrogenase 7 family member A1; minus strand). Cytogenetic location: 5q23.2.
Variant type: Microsatellite.
Coding change: c.1493_1495delGAG on transcript NM_001182.4; coding-DNA positions 1493 to 1495, 3 bases deleted (GAG).
Genome position (GRCh38, 1-based): chr5:126,546,394-126,546,396, CTC deleted on the plus strand (GAG on the coding strand, the reverse complement: ALDH7A1 is on the minus strand); deleting any 3 consecutive bases within chr5:126,546,394-126,546,401 gives the same sequence; the c. name uses the placement nearest the transcript's 3' end. VCF-style (leftmost placement, unchanged base first): chr5-126546393-TCTC-T. GRCh37 (hg19) VCF-style: chr5-125882085-TCTC-T.
Identifiers: ClinVar variation 204860 (VCV000204860.15), dbSNP rs796052268, ClinGen allele CA313226.
Genomic context (GRCh38, chr5:126,546,393, plus strand): 5'-CTTCTCATGTACTGTTTCCAGGCATCACTGCCAGACTCCCTGCCACCACCAGTGTGCTTT[TCTC>T]CTCCTAGAGAAATAAAAAATAATATCATATCTTCTGAGCAGTTTCCATGTGGGCTCATAG-3'

ClinVar aggregate classification (germline): Uncertain significance. Review status: criteria provided, multiple submitters, no conflicts (2 of 4 stars). 4 submissions from 4 submitters: Uncertain significance (4). Last evaluated 2023-04-11.

Conditions:
Inborn genetic diseases. Identifiers: MedGen C0950123, MeSH D030342.
Pyridoxine-dependent epilepsy (EPEO4). Also called: EPILEPSY, EARLY-ONSET, 4, VITAMIN B6-DEPENDENT; Pyridoxine-Dependent Epilepsy - ALDH7A1; Pyridoxine-Dependent Seizures; PYRIDOXINE DEPENDENCY WITH SEIZURES. Identifiers: Orphanet 3006, MedGen C1849508, MONDO:0009945, OMIM 266100. Disease mechanism: loss of function.

Submissions (4):

Genome-Nilou Lab
Classification: Uncertain significance for Pyridoxine-dependent epilepsy. Last evaluated: 2023-04-11. Review status: criteria provided, single submitter. Criteria: ACMG Guidelines, 2015. Collection method: clinical testing. Allele origin: germline. Affected: no.

Labcorp Genetics (formerly Invitae), Labcorp
Classification: Uncertain significance for Pyridoxine-dependent epilepsy. Last evaluated: 2022-04-07. Review status: criteria provided, single submitter. Criteria: Invitae Variant Classification Sherloc (09022015). Collection method: clinical testing. Allele origin: germline.
Comment: This variant, c.1493_1495del, results in the deletion of 1 amino acid(s) of the ALDH7A1 protein (p.Gly498del), but otherwise preserves the integrity of the reading frame. In summary, the available evidence is currently insufficient to determine the role of this variant in disease. Therefore, it has been classified as a Variant of Uncertain Significance. Experimental studies and prediction algorithms are not available or were not evaluated, and the functional significance of this variant is currently unknown. ClinVar contains an entry for this variant (Variation ID: 204860). This variant has not been reported in the literature in individuals affected with ALDH7A1-related conditions. This variant is not present in population databases (gnomAD no frequency).

GeneDx
Classification: Uncertain significance. Last evaluated: 2018-11-01. Review status: criteria provided, single submitter. Criteria: GeneDx Variant Classification (06012015). Collection method: clinical testing. Allele origin: germline. Affected: yes.
Comment: The c.1493_1495delGAG variant has not been published as a pathogenic variant, nor has it been reported as a benign polymorphism to our knowledge. It results in an in-frame deletion of a single Glycine residue at a highly conserved position in the protein. Missense variants have been reported in nearby residues (G494R, A495T), supporting the functional importance of this region of the protein. Therefore, based on the currently available information, it is unclear whether c.1493_1495delGAG is a pathogenic variant or a rare benign variant.

Ambry Genetics
Classification: Uncertain significance for Inborn genetic diseases. Last evaluated: 2016-06-22. Review status: criteria provided, single submitter. Criteria: Ambry Variant Classification Scheme 2023. Collection method: clinical testing. Allele origin: germline.
Comment: The c.1493_1495delGAG variant (also known as p.G498del) is located in coding exon 17 of the ALDH7A1 gene. This variant results from an in-frame deletion of 3 nucleotides at positions 1493 to 1495, causing the removal of a highly-conserved glycine residue at codon 498. This variant was not reported in population based cohorts in the following databases: Database of Single Nucleotide Polymorphisms (dbSNP), NHLBI Exome Sequencing Project (ESP), and 1000 Genomes Project. In the ESP, this variant was not observed in 6503 samples (13006 alleles) with coverage at this position. This amino acid position is highly conserved in available vertebrate species. Since supporting evidence is limited at this time, the clinical significance of this variant remains unclear.